The following is an entry in ClinVar:

ClinVar aggregate classification (germline): Likely benign. Review status: criteria provided, multiple submitters, no conflicts (2 of 4 stars). 3 submissions from 3 submitters: Likely benign (3). Last evaluated 2025-10-19.

Conditions:
Catecholaminergic polymorphic ventricular tachycardia (CVPT). Also called: Catecholamine-induced polymorphic ventricular tachycardia. Identifiers: Orphanet 3286, MedGen C5574922, MONDO:0017990.
Catecholaminergic polymorphic ventricular tachycardia 1. Also called: VENTRICULAR TACHYCARDIA, CATECHOLAMINERGIC POLYMORPHIC, 1, WITH OR WITHOUT ATRIAL DYSFUNCTION AND/OR DILATED CARDIOMYOPATHY; VENTRICULAR TACHYCARDIA, STRESS-INDUCED POLYMORPHIC 1; RYR2-Related Catecholaminergic Polymorphic Ventricular Tachycardia. Identifiers: Orphanet 3286, MedGen C1631597, MONDO:0011484, OMIM 604772.

Allele frequency attached by ClinVar (database versions not stated): gnomAD exomes below 0.00001; gnomAD 0.00001; TOPMed 0.00001.
gnomAD v4.1: 4 of 1,613,736 alleles (0.00025%); highest among the groups gnomAD compares: African/African-American, 0.0027%; no homozygotes.

Submissions (3):

Labcorp Genetics (formerly Invitae), Labcorp
Classification: Likely benign for Catecholaminergic polymorphic ventricular tachycardia 1. Last evaluated: 2025-10-19. Review status: criteria provided, single submitter. Criteria: Invitae Variant Classification Sherloc (09022015). Collection method: clinical testing. Allele origin: germline.

All of Us Research Program, National Institutes of Health
Classification: Likely benign for Catecholaminergic polymorphic ventricular tachycardia. Last evaluated: 2023-12-18. Review status: criteria provided, single submitter. Criteria: ACMG Guidelines, 2015. Collection method: clinical testing. Allele origin: germline. Inheritance: Autosomal dominant inheritance. Observed: 1 variant allele, 1 heterozygote.
Comment: This study involves interpretation of variants in research participants for the purpose of population health screening. Participant phenotype was not available at the time of variant classification. Additional details can be found in publication PMID: 35346344, PMCID: PMC8962531

ARUP Laboratories, Molecular Genetics and Genomics, ARUP Laboratories
Classification: Likely benign. Last evaluated: 2018-09-18. Review status: criteria provided, single submitter. Criteria: ARUP Molecular Germline Variant Investigation Process. Collection method: clinical testing. Allele origin: germline.

NM_001035.3(RYR2):c.1203T>C (p.Asp401=)

Gene: RYR2 (ryanodine receptor 2; plus strand). Cytogenetic location: 1q43.
Variant type: single nucleotide variant.
Coding change: c.1203T>C on transcript NM_001035.3 (MANE Select); coding-DNA position 1203, T replaced by C.
Protein change: p.Asp401=; no amino-acid change (aspartic acid 401 retained).
Molecular consequence: synonymous variant.
Genome position (GRCh38, 1-based): chr1:237,445,433, T>C. VCF-style: chr1-237445433-T-C. GRCh37 (hg19) VCF-style: chr1-237608733-T-C.
Identifiers: ClinVar variation 811228 (VCV000811228.10), dbSNP rs1196750903, ClinGen allele CA423812048.